The following is an entry in ClinVar:

ClinVar aggregate classification (germline): Pathogenic. Review status: criteria provided, multiple submitters, no conflicts (2 of 4 stars). 2 submissions from 2 submitters: Pathogenic (2). Last evaluated 2024-09-02.

Conditions:
Ataxia-telangiectasia syndrome (AT). Also called: AT, COMPLEMENTATION GROUP C; Ataxia-telangiectasia, complementation group D; ATAXIA-TELANGIECTASIA, COMPLEMENTATION GROUP A; ATAXIA-TELANGIECTASIA, FRESNO VARIANT; Ataxia-telangiectasia; Ataxia-telangiectasia, complementation group E. Identifiers: Orphanet 100, MedGen C0004135, MONDO:0008840, OMIM 208900.
Hereditary cancer-predisposing syndrome. Also called: Tumor predisposition; Hereditary Cancer Syndrome; Hereditary neoplastic syndrome; Neoplastic Syndromes, Hereditary. Identifiers: Orphanet 140162, MedGen C0027672, MeSH D009386, MONDO:0015356.

Submissions (2):

Labcorp Genetics (formerly Invitae), Labcorp
Classification: Pathogenic for Ataxia-telangiectasia syndrome. Last evaluated: 2024-09-02. Review status: criteria provided, single submitter. Criteria: Invitae Variant Classification Sherloc (09022015). Collection method: clinical testing. Allele origin: germline.
Comment: This sequence change creates a premature translational stop signal (p.Lys2385Argfs*6) in the ATM gene. It is expected to result in an absent or disrupted protein product. Loss-of-function variants in ATM are known to be pathogenic (PMID: 23807571, 25614872). This variant is not present in population databases (gnomAD no frequency). This variant has not been reported in the literature in individuals affected with ATM-related conditions. For these reasons, this variant has been classified as Pathogenic.

Ambry Genetics
Classification: Pathogenic for Hereditary cancer-predisposing syndrome. Last evaluated: 2023-09-28. Review status: criteria provided, single submitter. Criteria: Ambry Variant Classification Scheme 2023. Collection method: clinical testing. Allele origin: germline.
Comment: The c.7154delA variant, located in coding exon 48 of the ATM gene, results from a deletion of one nucleotide at nucleotide position 7154, causing a translational frameshift with a predicted alternate stop codon (p.K2385Rfs*6). This variant is considered to be rare based on population cohorts in the Genome Aggregation Database (gnomAD). This alteration is expected to result in loss of function by premature protein truncation or nonsense-mediated mRNA decay. As such, this alteration is interpreted as a disease-causing mutation.

Literature cited by the submitters: PubMed 23807571 (cited by Labcorp Genetics (formerly Invitae), Labcorp); PubMed 25614872 (cited by Labcorp Genetics (formerly Invitae), Labcorp).

NM_000051.4(ATM):c.7154del (p.Lys2385fs)

Genes: ATM (ATM serine/threonine kinase; plus strand), C11orf65 (chromosome 11 open reading frame 65; minus strand). Cytogenetic location: 11q22.3.
Variant type: Deletion.
Coding change: c.7154del on transcript NM_000051.4 (MANE Select); coding-DNA position 7154, one base deleted (A; older notation c.7154delA).
Protein change: p.Lys2385fs; shifts the reading frame from lysine 2385.
Molecular consequence: frameshift variant. On other transcripts: intron variant (2).
Genome position (GRCh38, 1-based): chr11:108,329,085, A deleted; the last of 2 consecutive A bases (chr11:108,329,084-108,329,085); deleting either gives the same sequence. VCF-style (leftmost placement, unchanged base first): chr11-108329083-GA-G. GRCh37 (hg19) VCF-style: chr11-108199810-GA-G.
Other names: c.7154del, p.Lys2385fs (NM_001351834.2); c.641-20013del (NM_001330368.2); c.*38+6136del (NM_001351110.2); short protein forms K2385fs.
Identifiers: ClinVar variation 3222736 (VCV003222736.3), dbSNP rs2547247878, ClinGen allele CA2825001947.
Genomic context (GRCh38, chr11:108,329,083, plus strand): 5'-AGTAGAAGTTGCTGGAAATTATGATGGAGAAAGTAGTGATGAGCTAAGAAATGGAAAAAT[GA>G]AGGCATTTCTCTCATTAGCCCGGTTTTCAGATACTCAATACCAAAGAATTGAAAACTACA-3'